The following is an entry in ClinVar:

ClinVar aggregate classification (germline): Uncertain significance (1 of 4 stars; one submission).

Conditions:
FGFR2-related craniosynostosis. Identifiers: MedGen CN231480.

Submission:

Labcorp Genetics (formerly Invitae), Labcorp
Classification: Uncertain significance for FGFR2-related craniosynostosis. Last evaluated: 2024-04-05. Review status: criteria provided, single submitter. Criteria: Invitae Variant Classification Sherloc (09022015). Collection method: clinical testing. Allele origin: germline.
Comment: This sequence change falls in intron 17 of the FGFR2 gene. It does not directly change the encoded amino acid sequence of the FGFR2 protein. This variant is not present in population databases (gnomAD no frequency). This variant has not been reported in the literature in individuals affected with FGFR2-related conditions. Algorithms developed to predict the effect of sequence changes on RNA splicing suggest that this variant may create or strengthen a splice site. In summary, the available evidence is currently insufficient to determine the role of this variant in disease. Therefore, it has been classified as a Variant of Uncertain Significance.

NM_000141.5(FGFR2):c.2302-4T>C

Gene: FGFR2 (fibroblast growth factor receptor 2; minus strand). Cytogenetic location: 10q26.13.
Variant type: single nucleotide variant.
Coding change: c.2302-4T>C on transcript NM_000141.5 (MANE Select); 4 bases into the intron before coding-DNA position 2302, T replaced by C.
Molecular consequence: intron variant. On other transcripts: 3 prime UTR variant (1).
Genome position (GRCh38, 1-based): chr10:121,480,025, A>G on the plus strand (T>C on the coding strand, the complement: FGFR2 is on the minus strand). VCF-style: chr10-121480025-A-G. GRCh37 (hg19) VCF-style: chr10-123239539-A-G.
Other names: c.*26T>C (NM_001441091.1); c.1966-4T>C (NM_001144914.1); c.1951-4T>C (NM_001144918.2); c.1957-4T>C (NM_001441090.1, NM_001144916.2); c.2029-4T>C (NM_001441089.1); c.2035-4T>C (NM_023029.3); c.2032-4T>C (NM_001441088.1); c.1954-4T>C (NM_001144917.2); and 5 more.
Identifiers: ClinVar variation 3604563 (VCV003604563.2).